The following is an entry in ClinVar:

NM_000551.4(VHL):c.228C>G (p.Phe76Leu)

Gene: VHL (von Hippel-Lindau tumor suppressor; plus strand). Cytogenetic location: 3p25.3.
Variant type: single nucleotide variant.
Coding change: c.228C>G on transcript NM_000551.4 (MANE Select); coding-DNA position 228, C replaced by G.
Protein change: p.Phe76Leu; replaces phenylalanine 76 with leucine.
Molecular consequence: missense variant.
Genome position (GRCh38, 1-based): chr3:10,142,075, C>G. VCF-style: chr3-10142075-C-G. GRCh37 (hg19) VCF-style: chr3-10183759-C-G.
Other names: c.228C>G, p.Phe76Leu (NM_001354723.2, NM_198156.3); c.228C>G (NM_000551.3); short protein forms F76L.
Identifiers: ClinVar variation 1023630 (VCV001023630.10), dbSNP rs1575921940, ClinGen allele CA351749248.

ClinVar aggregate classification (germline): Uncertain significance. Review status: criteria provided, multiple submitters, no conflicts (2 of 4 stars). 2 submissions from 2 submitters: Uncertain significance (2). Last evaluated 2025-01-10.

Conditions:
Von Hippel-Lindau syndrome (VHLS). Also called: Von Hippel-Lindau; von Hippel–Lindau syndrome; VHL syndrome. Identifiers: Orphanet 892, MedGen C0019562, MONDO:0008667, OMIM 193300. Disease mechanism: loss of function.
Chuvash polycythemia. Also called: POLYCYTHEMIA, VHL-DEPENDENT. Identifiers: Orphanet 238557, MedGen C1837915, MONDO:0009892, OMIM 263400.
Hereditary cancer-predisposing syndrome. Also called: Hereditary neoplastic syndrome; Neoplastic Syndromes, Hereditary; Tumor predisposition; Hereditary Cancer Syndrome. Identifiers: Orphanet 140162, MedGen C0027672, MeSH D009386, MONDO:0015356.

Allele frequency attached by ClinVar (database versions not stated): TOPMed below 0.00001; gnomAD 0.00001.
gnomAD v4.1: 1 of 1,606,974 alleles (0.000062%); highest among the groups gnomAD compares: Non-Finnish European, 0.000085%; no homozygotes.

Submissions (2):

Ambry Genetics
Classification: Uncertain significance for Hereditary cancer-predisposing syndrome. Last evaluated: 2025-01-10. Review status: criteria provided, single submitter. Criteria: Ambry Variant Classification Scheme 2023. Collection method: clinical testing. Allele origin: germline.
Comment: The p.F76L variant (also known as c.228C>G), located in coding exon 1 of the VHL gene, results from a C to G substitution at nucleotide position 228. The phenylalanine at codon 76 is replaced by leucine, an amino acid with highly similar properties. This variant was reported in individual(s) with features consistent with von Hippel-Lindau syndrome (Li C et al. Hum Mutat, 1998;Suppl 1:S31-3). This variant was determined to be functionally neutral in one saturation genome editing assay (Buckley M et al. Nat Genet, 2024 Jul;56:1446-1455). This amino acid position is highly conserved in available vertebrate species. In addition, this alteration is predicted to be deleterious by in silico analysis. Based on the available evidence, the clinical significance of this variant remains unclear.

Labcorp Genetics (formerly Invitae), Labcorp
Classification: Uncertain significance for Von Hippel-Lindau syndrome; Chuvash polycythemia. Last evaluated: 2023-03-13. Review status: criteria provided, single submitter. Criteria: Invitae Variant Classification Sherloc (09022015). Collection method: clinical testing. Allele origin: germline.
Comment: This variant is not present in population databases (gnomAD no frequency). In summary, the available evidence is currently insufficient to determine the role of this variant in disease. Therefore, it has been classified as a Variant of Uncertain Significance. This variant disrupts the p.Phe76 amino acid residue in VHL. Other variant(s) that disrupt this residue have been observed in individuals with VHL-related conditions (PMID: 9829911, 15881703), which suggests that this may be a clinically significant amino acid residue. Advanced modeling of protein sequence and biophysical properties (such as structural, functional, and spatial information, amino acid conservation, physicochemical variation, residue mobility, and thermodynamic stability) performed at Invitae indicates that this missense variant is expected to disrupt VHL protein function. ClinVar contains an entry for this variant (Variation ID: 1023630). This missense change has been observed in individual(s) with von Hippel Lindau syndome (PMID: 7728151). This sequence change replaces phenylalanine, which is neutral and non-polar, with leucine, which is neutral and non-polar, at codon 76 of the VHL protein (p.Phe76Leu).

Literature cited by the submitters: PubMed 38969834 (cited by Ambry Genetics); PubMed 9452032 (cited by Ambry Genetics); PubMed 9829911 (cited by Labcorp Genetics (formerly Invitae), Labcorp); PubMed 15881703 (cited by Labcorp Genetics (formerly Invitae), Labcorp); PubMed 7728151 (cited by Labcorp Genetics (formerly Invitae), Labcorp).